The following is an entry in ClinVar:

ClinVar aggregate classification (germline): Likely benign (1 of 4 stars; one submission).

Allele frequency attached by ClinVar (database versions not stated): TOPMed 0.00018; gnomAD 0.00022.

Submission:

GeneDx
Classification: Likely benign. Last evaluated: 2017-03-21. Review status: criteria provided, single submitter. Criteria: GeneDx Variant Classification (06012015). Collection method: clinical testing. Allele origin: germline. Affected: yes.
Comment: This variant is considered likely benign or benign based on one or more of the following criteria: it is a conservative change, it occurs at a poorly conserved position in the protein, it is predicted to be benign by multiple in silico algorithms, and/or has population frequency not consistent with disease.

NM_001199107.2(TBC1D24):c.-116+3G>T

Genes: TBC1D24 (TBC1 domain family member 24; plus strand), LOC130058245 (ATAC-STARR-seq lymphoblastoid silent region 7054; plus strand). Cytogenetic location: 16p13.3.
Variant type: single nucleotide variant.
Coding change: c.-116+3G>T on transcript NM_001199107.2 (MANE Select); 3 bases into the intron after 116 bases upstream of the start codon, G replaced by T.
Molecular consequence: intron variant.
Genome position (GRCh38, 1-based): chr16:2,475,173, G>T. VCF-style: chr16-2475173-G-T. GRCh37 (hg19) VCF-style: chr16-2525174-G-T.
Other names: c.-116+3G>T (NM_020705.3).
Identifiers: ClinVar variation 516721 (VCV000516721.1), dbSNP rs998707315, ClinGen allele CA276803562.
Genomic context (GRCh38, chr16:2,475,173, plus strand): 5'-GCACGCGCGTGCGCAGAAAGGCCGGCGCGGCAGGCTGAGGAGAAAGCGGCGCGCGGAGGT[G>T]GGTGCGCTCGGGGCGTGCGGGGGGCGCGCGGCGGGGTGGCGGGTGGCGGGGCCGGGTCCC-3'